The following is an entry in ClinVar:

NM_205836.3(FBXO38):c.2096A>T (p.Asp699Val)

Gene: FBXO38 (F-box protein 38; plus strand). Cytogenetic location: 5q32.
Variant type: single nucleotide variant.
Coding change: c.2096A>T on transcript NM_205836.3 (MANE Select); coding-DNA position 2096, A replaced by T.
Protein change: p.Asp699Val; replaces aspartic acid 699 with valine.
Molecular consequence: missense variant. On other transcripts: intron variant (1).
Genome position (GRCh38, 1-based): chr5:148,427,390, A>T. VCF-style: chr5-148427390-A-T. GRCh37 (hg19) VCF-style: chr5-147806953-A-T.
Other names: c.2096A>T, p.Asp699Val (NM_030793.5); c.1918+1689A>T (NM_001271723.2); short protein forms D699V.
Identifiers: ClinVar variation 1051491 (VCV001051491.10), dbSNP rs1262248200, ClinGen allele CA361656841.

ClinVar aggregate classification (germline): Uncertain significance (1 of 4 stars; one submission).

Conditions:
Distal hereditary motor neuropathy type 2. Identifiers: Orphanet 139525, MedGen C3711384, MeSH C580044, MONDO:0015352.

Submission:

Labcorp Genetics (formerly Invitae), Labcorp
Classification: Uncertain significance for Distal hereditary motor neuropathy type 2. Last evaluated: 2020-07-20. Review status: criteria provided, single submitter. Criteria: Invitae Variant Classification Sherloc (09022015). Collection method: clinical testing. Allele origin: germline.
Comment: In summary, the available evidence is currently insufficient to determine the role of this variant in disease. Therefore, it has been classified as a Variant of Uncertain Significance. Algorithms developed to predict the effect of sequence changes on RNA splicing suggest that this variant may create or strengthen a splice site, but this prediction has not been confirmed by published transcriptional studies. Algorithms developed to predict the effect of missense changes on protein structure and function are either unavailable or do not agree on the potential impact of this missense change (SIFT: "Tolerated"; PolyPhen-2: "Probably Damaging"; Align-GVGD: "Class C0"). This variant has not been reported in the literature in individuals with FBXO38-related conditions. This variant is not present in population databases (ExAC no frequency). This sequence change replaces aspartic acid with valine at codon 699 of the FBXO38 protein (p.Asp699Val). The aspartic acid residue is moderately conserved and there is a large physicochemical difference between aspartic acid and valine.